The following is an entry in ClinVar:

NM_001358291.2(RMI1):c.55C>T (p.His19Tyr)

Gene: RMI1 (RecQ mediated genome instability 1; plus strand). Cytogenetic location: 9q21.32.
Variant type: single nucleotide variant.
Coding change: c.55C>T on transcript NM_001358291.2 (MANE Select); coding-DNA position 55, C replaced by T.
Protein change: p.His19Tyr; replaces histidine 19 with tyrosine.
Molecular consequence: missense variant.
Genome position (GRCh38, 1-based): chr9:84,001,041, C>T. VCF-style: chr9-84001041-C-T. GRCh37 (hg19) VCF-style: chr9-86615956-C-T.
Other names: c.55C>T, p.His19Tyr (NM_001358292.2, NM_001358293.2, NM_001358294.2 and 1 more transcripts); short protein forms H19Y.
Identifiers: ClinVar variation 2659283 (VCV002659283.24), dbSNP rs35819647, ClinGen allele CA5104377.

ClinVar aggregate classification (germline): Likely benign (1 of 4 stars; one submission).

Allele frequency attached by ClinVar (database versions not stated): gnomAD 0.00267; 1000 Genomes Project 0.00200; 1000 Genomes Project 30x 0.00219; ESP Exome Variant Server 0.00269; TOPMed 0.00288.
gnomAD v4.1: 1,286 of 1,613,600 alleles (0.08%); highest among the groups gnomAD compares: African/African-American, 0.81%; 4 homozygotes.

Submission:

CeGaT Center for Human Genetics Tuebingen
Classification: Likely benign. Last evaluated: 2023-02-01. Review status: criteria provided, single submitter. Criteria: CeGaT Center For Human Genetics Tuebingen Variant Classification Criteria Version 2. Collection method: clinical testing. Allele origin: germline. Affected: yes. Observed: 1 variant allele.
Comment: RMI1: BS2